The following is an entry in ClinVar:

ClinVar aggregate classification (germline): Benign/Likely benign. Review status: criteria provided, multiple submitters, no conflicts (2 of 4 stars). 8 submissions from 8 submitters: Benign (5); Likely benign (1). 2 of the submissions do not count toward it. Last evaluated 2026-05-01.

Conditions:
Intellectual disability. Also called: Intellectual developmental disorder; intellectual disabilities; Intellectual functioning disability. Identifiers: MedGen C3714756, MeSH D008607, MONDO:0001071, HP:0001249.
AUTS2-related disorder. Also called: AUTS2-related condition.

Allele frequency attached by ClinVar (database versions not stated): 1000 Genomes Project 30x 0.00078; 1000 Genomes Project 0.00080; gnomAD 0.00290 and 0.00301; TOPMed 0.00296; gnomAD exomes 0.00341 and 0.00489; ExAC 0.01493.
gnomAD v4.1: 6,003 of 1,304,368 alleles (0.46%); highest among the groups gnomAD compares: Non-Finnish European, 0.54%; 24 homozygotes.

Submissions (8):

CeGaT Center for Human Genetics Tuebingen
Classification: Benign. Last evaluated: 2026-05-01. Review status: criteria provided, single submitter. Criteria: CeGaT Center For Human Genetics Tuebingen Variant Classification Criteria Version 2. Collection method: clinical testing. Allele origin: germline. Affected: yes. Observed: 16 variant alleles.
Comment: AUTS2: BS1, BS2

Labcorp Genetics (formerly Invitae), Labcorp
Classification: Benign. Last evaluated: 2026-01-26. Review status: criteria provided, single submitter. Criteria: Invitae Variant Classification Sherloc (09022015). Collection method: clinical testing. Allele origin: germline.

Blueprint Genetics
Classification: Likely benign. Last evaluated: 2024-11-26. Review status: criteria provided, single submitter. Criteria: ACMG Guidelines, 2015. Collection method: clinical testing. Allele origin: germline.

Institute of Human Genetics, FAU Erlangen, Friedrich-Alexander-Universität Erlangen-Nürnberg
Classification: Benign. Last evaluated: 2023-03-21. Review status: criteria provided, single submitter. Criteria: Hauer et al. (Genet Med. 2018). Collection method: clinical testing. Allele origin: germline. Inheritance: Autosomal dominant inheritance. Affected: yes. Observed: 2 variant alleles.
Comment: This variant has been identified by standard clinical testing.

GeneDx
Classification: Benign. Last evaluated: 2018-11-28. Review status: criteria provided, single submitter. Criteria: GeneDx Variant Classification Process June 2021. Collection method: clinical testing. Allele origin: germline. Affected: yes.

Breakthrough Genomics
Classification: Benign. Review status: criteria provided, single submitter. Criteria: ACMG Guidelines, 2015. Collection method: not provided. Allele origin: germline. Inheritance: Autosomal dominant inheritance. Affected: yes.

PreventionGenetics, part of Exact Sciences
Classification: Benign for AUTS2-related condition. Last evaluated: 2019-07-10. Review status: no assertion criteria provided. Collection method: clinical testing. Allele origin: germline. Not counted in ClinVar's aggregate classification.
Comment: This variant is classified as benign based on ACMG/AMP sequence variant interpretation guidelines (Richards et al. 2015 PMID: 25741868, with internal and published modifications).

Centre de Biologie Pathologie Génétique, Centre Hospitalier Universitaire de Lille
Classification: Likely benign for Intellectual disability. Last evaluated: 2019-01-01. Review status: no assertion criteria provided. Collection method: clinical testing. Allele origin: inherited. Affected: yes. Not counted in ClinVar's aggregate classification.

NM_015570.4(AUTS2):c.11C>T (p.Pro4Leu)

Gene: AUTS2 (activator of transcription and developmental regulator AUTS2; plus strand). Cytogenetic location: 7q11.22.
Variant type: single nucleotide variant.
Coding change: c.11C>T on transcript NM_015570.4 (MANE Select); coding-DNA position 11, C replaced by T.
Protein change: p.Pro4Leu; replaces proline 4 with leucine.
Molecular consequence: missense variant.
Genome position (GRCh38, 1-based): chr7:69,599,664, C>T. VCF-style: chr7-69599664-C-T. GRCh37 (hg19) VCF-style: chr7-69064650-C-T.
Other names: c.11C>T, p.Pro4Leu (NM_001127231.3, NM_001127232.3); short protein forms P4L.
Identifiers: ClinVar variation 975656 (VCV000975656.40), dbSNP rs200189077, ClinGen allele CA4280228.